The following is an entry in ClinVar:

NM_001330288.2(SMARCC2):c.1420C>T (p.Arg474Ter)

Gene: SMARCC2 (SWI/SNF related BAF chromatin remodeling complex subunit C2; minus strand). Cytogenetic location: 12q13.2.
Variant type: single nucleotide variant.
Coding change: c.1420C>T on transcript NM_001330288.2 (MANE Select); coding-DNA position 1420, C replaced by T.
Protein change: p.Arg474Ter; replaces arginine 474 with a stop codon.
Molecular consequence: nonsense.
Genome position (GRCh38, 1-based): chr12:56,174,727, G>A on the plus strand (C>T on the coding strand, the complement: SMARCC2 is on the minus strand). VCF-style: chr12-56174727-G-A. GRCh37 (hg19) VCF-style: chr12-56568511-G-A.
Other names: c.1420C>T, p.Arg474Ter (NM_003075.5, NM_139067.4, NM_001130420.3); short protein forms R474*.
Identifiers: ClinVar variation 3342316 (VCV003342316.3).

ClinVar aggregate classification (germline): Pathogenic/Likely pathogenic. Review status: criteria provided, multiple submitters, no conflicts (2 of 4 stars). 2 submissions from 2 submitters: Pathogenic (1); Likely pathogenic (1). Last evaluated 2025-12-01.

Conditions:
Coffin-Siris syndrome 8. Identifiers: MedGen C5193054, MONDO:0032702, OMIM 618362.

Submissions (2):

GeneDx
Classification: Pathogenic. Last evaluated: 2025-12-01. Review status: criteria provided, single submitter. Criteria: GeneDx Variant Classification Process June 2021. Collection method: clinical testing. Allele origin: germline.
Comment: Identified in an individual with a neurodevelopmental disorder in published literature, but segregation and detailed clinical information was not provided (PMID: 33004838); Nonsense variant predicted to result in protein truncation or nonsense mediated decay in a gene for which loss of function is a known mechanism of disease; Not observed at significant frequency in large population cohorts (gnomAD); This variant is associated with the following publications: (PMID: 33004838)

Revvity Omics, Revvity
Classification: Likely pathogenic for Coffin-Siris syndrome 8. Last evaluated: 2025-03-05. Review status: criteria provided, single submitter. Criteria: ACMG Guidelines, 2015. Collection method: clinical testing. Allele origin: germline.